The following is an entry in ClinVar:

ClinVar aggregate classification (germline): Uncertain significance (1 of 4 stars; one submission).

Submission:

GeneDx
Classification: Uncertain significance. Last evaluated: 2023-06-23. Review status: criteria provided, single submitter. Criteria: GeneDx Variant Classification Process June 2021. Collection method: clinical testing. Allele origin: germline. Affected: yes.
Comment: Not observed at significant frequency in large population cohorts (gnomAD); In silico analysis supports that this missense variant has a deleterious effect on protein structure/function; Has not been previously published as pathogenic or benign to our knowledge; Variants in candidate genes are classified as variants of uncertain significance in accordance with ACMG guidelines (Richards et al., 2015)

NM_001128636.4(ELFN1):c.2023C>G (p.Pro675Ala)

Gene: ELFN1 (extracellular leucine rich repeat and fibronectin type III domain containing 1; plus strand). Cytogenetic location: 7p22.3.
Variant type: single nucleotide variant.
Coding change: c.2023C>G on transcript NM_001128636.4 (MANE Select); coding-DNA position 2023, C replaced by G.
Protein change: p.Pro675Ala; replaces proline 675 with alanine.
Molecular consequence: missense variant.
Genome position (GRCh38, 1-based): chr7:1,746,619, C>G. VCF-style: chr7-1746619-C-G. GRCh37 (hg19) VCF-style: chr7-1786255-C-G.
Other names: c.2023C>G, p.Pro675Ala (NM_001394187.1, NM_001394188.1); short protein forms P675A.
Identifiers: ClinVar variation 4536276 (VCV004536276.1).